The following is an entry in ClinVar:

ClinVar aggregate classification (germline): Pathogenic (1 of 4 stars; one submission).

Conditions:
Ataxia-telangiectasia syndrome (AT). Also called: Ataxia-telangiectasia; LOUIS-BAR SYNDROME; AT, COMPLEMENTATION GROUP C; Ataxia-telangiectasia, complementation group E; Ataxia telangiectasia (A-T); Cerebello-oculocutaneous telangiectasia. Identifiers: Orphanet 100, MedGen C0004135, MONDO:0008840, OMIM 208900.

Submission:

Labcorp Genetics (formerly Invitae), Labcorp
Classification: Pathogenic for Ataxia-telangiectasia syndrome. Last evaluated: 2021-12-03. Review status: criteria provided, single submitter. Criteria: Invitae Variant Classification Sherloc (09022015). Collection method: clinical testing. Allele origin: germline.
Comment: For these reasons, this variant has been classified as Pathogenic. Retrotransposon insertions including LINE1 (L1), Alu, and SVA (SINE-VNTR-Alu) have been reported to be disease-causing through disruption of either a coding region or splice site (PMID: 19763152, 20307669, 22406018) and loss-of-function variants in ATM are known to be pathogenic (PMID: 23807571, 25614872). This variant has not been reported in the literature in individuals affected with ATM-related conditions. This variant is not present in population databases (gnomAD no frequency). This sequence change inserts a large fragment of DNA, likely a transposable element, in exon 7 of the ATM gene (c.824_825ins?), causing a frameshift at codon 275 (p.Leu275fs). The exact size and sequence of the insertion cannot be determined by the current assay. However, the insertion is expected to result in an absent or disrupted protein product.

Literature cited by the submitters: PubMed 19763152; PubMed 20307669; PubMed 22406018; PubMed 23807571; PubMed 25614872.

NM_000051.4(ATM):c.824_825insTTTTTTTTTTTTTTTTTTTTNNNNNNNNNNTCTATGATTCTTT (p.Leu275delinsPhePhePhePhePhePhePheXaaXaaXaaXaaLeuTer)

Gene: ATM (ATM serine/threonine kinase; plus strand). Cytogenetic location: 11q22.3.
Variant type: Insertion.
Coding change: c.824_825insTTTTTTTTTTTTTTTTTTTTNNNNNNNNNNTCTATGATTCTTT on transcript NM_000051.4 (MANE Select); coding-DNA positions 824 to 825, TTTTTTTTTTTTTTTTTTTTNNNNNNNNNNTCTATGATTCTTT inserted.
Protein change: p.Leu275delinsPhePhePhePhePhePhePheXaaXaaXaaXaaLeuTer.
Molecular consequence: nonsense.
Genome position: GRCh38: chr11:108,244,949-108,244,950. GRCh37 (hg19): chr11:108,115,676-108,115,677.
Other names: c.824_825insTTTTTTTTTTTTTTTTTTTTNNNNNNNNNNTCTATGATTCTTT, p.Leu275delinsPhePhePhePhePhePhePheXaaXaaXaaXaaLeuTer (NM_001351834.2).
Identifiers: ClinVar variation 1451787 (VCV001451787.6), dbSNP rs2135241864.